The following is an entry in ClinVar:

NM_006393.3(NEBL):c.1062T>G (p.Phe354Leu)

Gene: NEBL (nebulette; minus strand). Cytogenetic location: 10p12.31.
Variant type: single nucleotide variant.
Coding change: c.1062T>G on transcript NM_006393.3 (MANE Select); coding-DNA position 1062, T replaced by G.
Protein change: p.Phe354Leu; replaces phenylalanine 354 with leucine.
Molecular consequence: missense variant. On other transcripts: intron variant (9).
Genome position (GRCh38, 1-based): chr10:20,850,449, A>C on the plus strand (T>G on the coding strand, the complement: NEBL is on the minus strand). VCF-style: chr10-20850449-A-C. GRCh37 (hg19) VCF-style: chr10-21139378-A-C.
Other names: c.250-37509T>G (NM_001377326.1, NM_001377327.1, NM_001377328.1); c.358-37509T>G (NM_213569.2, NM_001173484.2, NM_001377322.1); c.301-37509T>G (NM_001377324.1); c.292-37509T>G (NM_001377325.1); c.310-37509T>G (NM_001377323.1); short protein forms F354L.
Identifiers: ClinVar variation 1392162 (VCV001392162.6), dbSNP rs996916612, ClinGen allele CA204178673.

ClinVar aggregate classification (germline): Uncertain significance (1 of 4 stars; one submission).

Conditions:
Primary dilated cardiomyopathy (DCM). Also called: Dilated Cardiomyopathy. Identifiers: Orphanet 217604, MedGen C0007193, MeSH D002311, MONDO:0005021, HP:0001644. Inheritance: Various modes of inheritance.

Allele frequency attached by ClinVar (database versions not stated): gnomAD exomes below 0.00001; TOPMed 0.00003.
gnomAD v4.1: 2 of 1,612,656 alleles (0.00012%); highest among the groups gnomAD compares: Admixed American, 0.0033%; no homozygotes.

Submission:

Labcorp Genetics (formerly Invitae), Labcorp
Classification: Uncertain significance for Primary dilated cardiomyopathy. Last evaluated: 2023-10-29. Review status: criteria provided, single submitter. Criteria: Invitae Variant Classification Sherloc (09022015). Collection method: clinical testing. Allele origin: germline.
Comment: This sequence change replaces phenylalanine, which is neutral and non-polar, with leucine, which is neutral and non-polar, at codon 354 of the NEBL protein (p.Phe354Leu). This variant is present in population databases (no rsID available, gnomAD 0.003%). This missense change has been observed in individual(s) with hypertrophic cardiomyopathy (PMID: 30206291). ClinVar contains an entry for this variant (Variation ID: 1392162). An algorithm developed to predict the effect of missense changes on protein structure and function (PolyPhen-2) suggests that this variant is likely to be disruptive. In summary, the available evidence is currently insufficient to determine the role of this variant in disease. Therefore, it has been classified as a Variant of Uncertain Significance.

Literature cited by the submitters: PubMed 30206291.